The following is an entry in ClinVar:

ClinVar aggregate classification (germline): Likely benign (1 of 4 stars; one submission).

Submission:

CeGaT Center for Human Genetics Tuebingen
Classification: Likely benign. Last evaluated: 2023-01-01. Review status: criteria provided, single submitter. Criteria: CeGaT Center For Human Genetics Tuebingen Variant Classification Criteria Version 2. Collection method: clinical testing. Allele origin: germline. Affected: yes. Observed: 1 variant allele.
Comment: DMD: PM2:Supporting, BP4, BP7

NM_004006.3(DMD):c.9030A>G (p.Ser3010=)

Gene: DMD (dystrophin; minus strand). Cytogenetic location: Xp21.2.
Variant type: single nucleotide variant.
Coding change: c.9030A>G on transcript NM_004006.3 (MANE Select); coding-DNA position 9030, A replaced by G.
Protein change: p.Ser3010=; no amino-acid change (serine 3010 retained).
Molecular consequence: synonymous variant.
Genome position (GRCh38, 1-based): chrX:31,444,535, T>C on the plus strand (A>G on the coding strand, the complement: DMD is on the minus strand). VCF-style: chrX-31444535-T-C. GRCh37 (hg19) VCF-style: chrX-31462652-T-C.
Other names: c.9006A>G, p.Ser3002= (NM_000109.4); c.9018A>G, p.Ser3006= (NM_004009.3); c.8661A>G, p.Ser2887= (NM_004010.3); c.5007A>G, p.Ser1669= (NM_004011.4); c.4998A>G, p.Ser1666= (NM_004012.4); c.1650A>G, p.Ser550= (NM_004013.3, NM_004020.4, NM_004021.3 and 2 more transcripts); c.843A>G, p.Ser281= (NM_004014.3).
Identifiers: ClinVar variation 2660241 (VCV002660241.24), dbSNP rs2524518762, ClinGen allele CA515858228.
Genomic context (GRCh38, chrX:31,444,535, plus strand): 5'-GCTTACCTGCAGAAGCTTCCATCTGGTGTTCAGGTCTTCCAGAGTGCTGAGGTTATACGG[T>C]GAGAGCTGAATGCCCAAAGTGGTAAGCTGGCGAGCAAGGTCATTGACGTGGCTCACGTTC-3'
Protein context (NP_003997.2, residues 3000-3020): RQLTTLGIQL[Ser3010=]PYNLSTLEDL